The following is an entry in ClinVar:

ClinVar aggregate classification (germline): Pathogenic/Likely pathogenic. Review status: criteria provided, multiple submitters, no conflicts (2 of 4 stars). 2 submissions from 2 submitters: Pathogenic (1); Likely pathogenic (1). Last evaluated 2025-11-18.

Conditions:
IFT81-related disorders.

Allele frequency attached by ClinVar (database versions not stated): ExAC 0.00006; gnomAD 0.00006 and 0.00007; gnomAD exomes 0.00006 and 0.00018; TOPMed 0.00006; ESP Exome Variant Server 0.00015.
gnomAD v4.1: 284 of 1,612,268 alleles (0.018%); highest among the groups gnomAD compares: Non-Finnish European, 0.022%; no homozygotes.

Submissions (3):

Labcorp Genetics (formerly Invitae), Labcorp
Classification: Pathogenic. Last evaluated: 2025-11-18. Review status: criteria provided, single submitter. Criteria: Invitae Variant Classification Sherloc (09022015). Collection method: clinical testing. Allele origin: germline.
Comment: This sequence change affects an acceptor splice site in intron 3 of the IFT81 gene. It is expected to disrupt RNA splicing. Variants that disrupt the donor or acceptor splice site typically lead to a loss of protein function (PMID: 16199547), and loss-of-function variants in IFT81 are known to be pathogenic (PMID: 26275418, 27666822). This variant is present in population databases (rs200079673, gnomAD 0.01%). Disruption of this splice site has been observed in individual(s) with clinical features of short-rib polydactyly syndrome (internal data). In at least one individual the data is consistent with being in trans (on the opposite chromosome) from a pathogenic variant. ClinVar contains an entry for this variant (Variation ID: 957583). Algorithms developed to predict the effect of sequence changes on RNA splicing suggest that this variant may disrupt the consensus splice site. For these reasons, this variant has been classified as Pathogenic.

Blueprint Genetics
Classification: Likely pathogenic for IFT81-related disorders. Last evaluated: 2024-07-12. Review status: criteria provided, single submitter. Criteria: ACMG Guidelines, 2015. Collection method: clinical testing. Allele origin: germline. Affected: yes. Observed: 5 variant alleles.

Dr. Peter K. Rogan Lab, Western University
No classification provided (evidence only). Condition: Ovarian serous cystadenocarcinoma. Review status: no classification provided. Collection method: in vitro. Allele origin: not applicable. Functional consequence: retained intron. Not counted in ClinVar's aggregate classification.

Literature cited by the submitters: PubMed 16199547 (cited by Labcorp Genetics (formerly Invitae), Labcorp); PubMed 26275418 (cited by Labcorp Genetics (formerly Invitae), Labcorp); PubMed 27666822 (cited by Labcorp Genetics (formerly Invitae), Labcorp).

NM_014055.4(IFT81):c.249-1G>A

Gene: IFT81 (intraflagellar transport 81; plus strand). Cytogenetic location: 12q24.11.
Variant type: single nucleotide variant.
Coding change: c.249-1G>A on transcript NM_014055.4 (MANE Select); the canonical splice acceptor site of the intron before coding-DNA position 249, G replaced by A.
Molecular consequence: splice acceptor variant.
Genome position (GRCh38, 1-based): chr12:110,128,949, G>A. VCF-style: chr12-110128949-G-A. GRCh37 (hg19) VCF-style: chr12-110566754-G-A.
Other names: c.-518-1G>A (NM_001347948.2, NM_001347947.2); c.249-1G>A (NM_001143779.2, NM_031473.4, NM_001347946.2).
Identifiers: ClinVar variation 957583 (VCV000957583.10), dbSNP rs200079673, ClinGen allele CA6783045.